The following is an entry in ClinVar:

ClinVar aggregate classification (germline): Uncertain significance. Review status: criteria provided, multiple submitters, no conflicts (2 of 4 stars). 4 submissions from 4 submitters: Uncertain significance (3). 1 of the submissions does not count toward it. Last evaluated 2026-04-06.

Conditions:
Anauxetic dysplasia. Identifiers: Orphanet 93347, MedGen C1846796, MONDO:0011773.
Metaphyseal chondrodysplasia, McKusick type (CHH). Also called: Cartilage-Hair Hypoplasia (CHH); Cartilage-hair hypoplasia. Identifiers: Orphanet 175, MedGen C0220748, MONDO:0009595, OMIM 250250.
RMRP-related disorder. Also called: RMRP-related condition.

Allele frequency attached by ClinVar (database versions not stated): TOPMed 0.00003.
gnomAD v4.1: 31 of 700,456 alleles (0.0044%); highest among the groups gnomAD compares: Admixed American, 0.062%; no homozygotes.

Submissions (4):

PreventionGenetics, part of Exact Sciences
Classification: Uncertain significance for RMRP-related condition. Last evaluated: 2026-04-06. Review status: criteria provided, single submitter. Criteria: ACMG Guidelines, 2015. Collection method: clinical testing. Allele origin: germline.
Comment: The RMRP n.100C>G is a noncoding alteration. To our knowledge, this variant has not been reported in the literature. This variant is reported in 0.079% of alleles in individuals of Latino descent in gnomAD. At this time, the clinical significance of this variant is uncertain due to the absence of conclusive functional and genetic evidence.

Women's Health and Genetics/Laboratory Corporation of America, LabCorp
Classification: Uncertain significance. Last evaluated: 2024-09-09. Review status: criteria provided, single submitter. Criteria: LabCorp Variant Classification Summary - May 2015. Collection method: clinical testing. Allele origin: germline.
Comment: Variant summary: RMRP n.100C>G alters a nucleotide in the non-coding RNA. The variant allele was found at a frequency of 0.00015 in 130502 control chromosomes. This frequency is not significantly higher than estimated for a pathogenic variant in RMRP causing Cartilage-Hair Hypoplasia (0.00015 vs 0.0072), allowing no conclusion about variant significance. To our knowledge, no occurrence of n.100C>G in individuals affected with Cartilage-Hair Hypoplasia and no experimental evidence demonstrating its impact on protein function have been reported. ClinVar contains an entry for this variant (Variation ID: 969702). Based on the evidence outlined above, the variant was classified as uncertain significance.

Labcorp Genetics (formerly Invitae), Labcorp
Classification: Uncertain significance for Anauxetic dysplasia. Last evaluated: 2022-07-12. Review status: criteria provided, single submitter. Criteria: Invitae Variant Classification Sherloc (09022015). Collection method: clinical testing. Allele origin: germline.
Comment: This variant occurs in the RMRP gene, which encodes an RNA molecule that does not result in a protein product. This variant is present in population databases (rs536333075, gnomAD 0.09%). This variant has not been reported in the literature in individuals affected with RMRP-related conditions. ClinVar contains an entry for this variant (Variation ID: 969702). Experimental studies and prediction algorithms are not available or were not evaluated, and the functional significance of this variant is currently unknown. In summary, the available evidence is currently insufficient to determine the role of this variant in disease. Therefore, it has been classified as a Variant of Uncertain Significance.

Natera, Inc.
Classification: Uncertain significance for Cartilage-hair hypoplasia. Last evaluated: 2020-06-12. Review status: no assertion criteria provided. Collection method: clinical testing. Allele origin: germline. Not counted in ClinVar's aggregate classification.

NR_003051.4(RMRP):n.101C>G

Gene: RMRP (RNA component of mitochondrial RNA processing endoribonuclease; minus strand). Cytogenetic location: 9p13.3.
Variant type: single nucleotide variant.
Genome position: GRCh38 VCF-style: chr9-35657919-G-C. GRCh37 (hg19) VCF-style: chr9-35657916-G-C.
Identifiers: ClinVar variation 969702 (VCV000969702.13), dbSNP rs536333075, ClinGen allele CA192745639.